The following is an entry in ClinVar:

NM_000094.4(COL7A1):c.7313C>T (p.Pro2438Leu)

Gene: COL7A1 (collagen type VII alpha 1 chain; minus strand). Cytogenetic location: 3p21.31.
Variant type: single nucleotide variant.
Coding change: c.7313C>T on transcript NM_000094.4 (MANE Select); coding-DNA position 7313, C replaced by T.
Protein change: p.Pro2438Leu; replaces proline 2438 with leucine.
Molecular consequence: missense variant.
Genome position (GRCh38, 1-based): chr3:48,570,670, G>A on the plus strand (C>T on the coding strand, the complement: COL7A1 is on the minus strand). VCF-style: chr3-48570670-G-A. GRCh37 (hg19) VCF-style: chr3-48608103-G-A.
Other names: short protein forms P2438L.
Identifiers: ClinVar variation 3251611 (VCV003251611.1), dbSNP rs185142403.

ClinVar aggregate classification (germline): Uncertain significance (1 of 4 stars; one submission).

Submission:

Women's Health and Genetics/Laboratory Corporation of America, LabCorp
Classification: Uncertain significance. Last evaluated: 2024-04-01. Review status: criteria provided, single submitter. Criteria: LabCorp Variant Classification Summary - May 2015. Collection method: clinical testing. Allele origin: germline.
Comment: Variant summary: COL7A1 c.7313C>T (p.Pro2438Leu) results in a non-conservative amino acid change in the encoded protein sequence. Three of five in-silico tools predict a benign effect of the variant on protein function. The frequency data for this variant in gnomAD is considered unreliable, as metrics indicate poor data quality at this position. c.7313C>T has been reported in the literature in one individual affected with Dystrophic Epidermolysis Bullosa, Recessive, in cis with an apparentaly likely pathogenic missense (Varki_2007), providing supporting evidence for a benign role, however the clinical significance of that in-cis missense cannot be determined due to the incorrect nomenclature. These report(s) do not provide unequivocal conclusions about association of the variant with Dystrophic Epidermolysis Bullosa, Recessive. To our knowledge, no experimental evidence demonstrating an impact on protein function has been reported. The following publication have been ascertained in the context of this evaluation (PMID: 16971478). No submitters have cited clinical-significance assessments for this variant to ClinVar. Based on the evidence outlined above, the variant was classified as uncertain significance.

Literature cited by the submitters: PubMed 16971478.